The following is an entry in ClinVar:

ClinVar aggregate classification (germline): Uncertain significance. Review status: criteria provided, single submitter (1 of 4 stars). 2 submissions from 2 submitters: Uncertain significance (1). 1 of the submissions does not count toward it. Last evaluated 2022-01-03.

Conditions:
NK-cell enteropathy. Also called: Natural killer cell enteropathy. Identifiers: Orphanet 263665, MedGen C4509932, MONDO:0016996.
Familial cancer of breast. Also called: BREAST CANCER, FAMILIAL; hereditary breast carcinoma; Hereditary breast cancer. Identifiers: Orphanet 227535, MedGen C0346153, MONDO:0016419, OMIM 114480. Disease mechanism: loss of function.

Submissions (2):

Labcorp Genetics (formerly Invitae), Labcorp
Classification: Uncertain significance for Familial cancer of breast. Last evaluated: 2022-01-03. Review status: criteria provided, single submitter. Criteria: Invitae Variant Classification Sherloc (09022015). Collection method: clinical testing. Allele origin: germline.
Comment: This sequence change replaces arginine, which is basic and polar, with leucine, which is neutral and non-polar, at codon 474 of the CHEK2 protein (p.Arg474Leu). This variant is not present in population databases (gnomAD no frequency). This variant has not been reported in the literature in individuals affected with CHEK2-related conditions. ClinVar contains an entry for this variant (Variation ID: 638624). Algorithms developed to predict the effect of missense changes on protein structure and function are either unavailable or do not agree on the potential impact of this missense change (SIFT: "Deleterious"; PolyPhen-2: "Probably Damaging"; Align-GVGD: "Class C0"). In summary, the available evidence is currently insufficient to determine the role of this variant in disease. Therefore, it has been classified as a Variant of Uncertain Significance.

Xiao lab, Department of Pathology, Memorial Sloan Kettering Cancer Center
Classification: Likely pathogenic for Natural killer cell enteropathy. Last evaluated: 2019-07-31. Review status: no assertion criteria provided. Collection method: clinical testing. Allele origin: somatic. Affected: yes. Not counted in ClinVar's aggregate classification.

NM_007194.4(CHEK2):c.1421G>T (p.Arg474Leu)

Gene: CHEK2 (checkpoint kinase 2; minus strand). Cytogenetic location: 22q12.1.
Variant type: single nucleotide variant.
Coding change: c.1421G>T on transcript NM_007194.4 (MANE Select); coding-DNA position 1421, G replaced by T.
Protein change: p.Arg474Leu; replaces arginine 474 with leucine.
Molecular consequence: missense variant.
Genome position (GRCh38, 1-based): chr22:28,694,072, C>A on the plus strand (G>T on the coding strand, the complement: CHEK2 is on the minus strand). VCF-style: chr22-28694072-C-A. GRCh37 (hg19) VCF-style: chr22-29090060-C-A.
Other names: c.1550G>T, p.Arg517Leu (NM_001005735.3); c.758G>T, p.Arg253Leu (NM_001257387.3); c.1220G>T, p.Arg407Leu (NM_001349956.3); c.1334G>T, p.Arg445Leu (NM_145862.3); short protein forms R474L, R517L, R445L, R253L, R407L.
Identifiers: ClinVar variation 638624 (VCV000638624.5), dbSNP rs121908706, ClinGen allele CA411094282.